The following is an entry in ClinVar:

ClinVar aggregate classification (germline): Uncertain significance (1 of 4 stars; one submission).

Conditions:
Autosomal recessive ataxia, Beauce type. Also called: SYNE1-Related Autosomal Recessive Cerebellar Ataxia; Spinocerebellar ataxia, autosomal recessive 8; ATAXIA, RECESSIVE, OF BEAUCE; SYNE1 Deficiency. Identifiers: Orphanet 88644, MedGen C1853116, MONDO:0012549, OMIM 610743.
Emery-Dreifuss muscular dystrophy 4, autosomal dominant (EDMD4). Also called: EMERY-DREIFUSS MUSCULAR DYSTROPHY 4 WITH VARIABLE FEATURES. Identifiers: Orphanet 261, MedGen C2751807, MONDO:0013071, OMIM 612998.

gnomAD v4.1: 14 of 1,614,122 alleles (0.00087%); highest among the groups gnomAD compares: Non-Finnish European, 0.0011%; no homozygotes.

Submission:

Labcorp Genetics (formerly Invitae), Labcorp
Classification: Uncertain significance for Emery-Dreifuss muscular dystrophy 4, autosomal dominant; Autosomal recessive ataxia, Beauce type. Last evaluated: 2025-06-27. Review status: criteria provided, single submitter. Criteria: Invitae Variant Classification Sherloc (09022015). Collection method: clinical testing. Allele origin: germline.
Comment: This sequence change replaces methionine, which is neutral and non-polar, with valine, which is neutral and non-polar, at codon 7516 of the SYNE1 protein (p.Met7516Val). This variant is present in population databases (rs755360491, gnomAD 0.0009%). This variant has not been reported in the literature in individuals affected with SYNE1-related conditions. An algorithm developed to predict the effect of missense changes on protein structure and function outputs the following: PolyPhen-2: "Benign". The valine amino acid residue is found in multiple mammalian species, which suggests that this missense change does not adversely affect protein function. In summary, the available evidence is currently insufficient to determine the role of this variant in disease. Therefore, it has been classified as a Variant of Uncertain Significance.

NM_182961.4(SYNE1):c.22759A>G (p.Met7587Val)

Gene: SYNE1 (spectrin repeat containing nuclear envelope protein 1; minus strand). Cytogenetic location: 6q25.2.
Variant type: single nucleotide variant.
Coding change: c.22759A>G on transcript NM_182961.4 (MANE Select); coding-DNA position 22759, A replaced by G.
Protein change: p.Met7587Val; replaces methionine 7587 with valine.
Molecular consequence: missense variant.
Genome position (GRCh38, 1-based): chr6:152,208,037, T>C on the plus strand (A>G on the coding strand, the complement: SYNE1 is on the minus strand). VCF-style: chr6-152208037-T-C. GRCh37 (hg19) VCF-style: chr6-152529172-T-C.
Other names: c.22546A>G, p.Met7516Val (NM_033071.5); short protein forms M7587V, M7516V.
Identifiers: ClinVar variation 4788827 (VCV004788827.1).